The following is an entry in ClinVar:

ClinVar aggregate classification (germline): Uncertain significance (1 of 4 stars; one submission).

Submission:

Labcorp Genetics (formerly Invitae), Labcorp
Classification: Uncertain significance. Last evaluated: 2022-04-19. Review status: criteria provided, single submitter. Criteria: Invitae Variant Classification Sherloc (09022015). Collection method: clinical testing. Allele origin: germline.
Comment: In summary, the available evidence is currently insufficient to determine the role of this variant in disease. Therefore, it has been classified as a Variant of Uncertain Significance. Experimental studies and prediction algorithms are not available or were not evaluated, and the functional significance of this variant is currently unknown. This variant has not been reported in the literature in individuals affected with KCNK4-related conditions. This variant is not present in population databases (gnomAD no frequency). This variant, c.935_940dup, results in the insertion of 2 amino acid(s) of the KCNK4 protein (p.Gln312_Pro313dup), but otherwise preserves the integrity of the reading frame.

NM_033310.3(KCNK4):c.935_940dup (p.Pro313_Leu314insGlnPro)

Genes: KCNK4 (potassium two pore domain channel subfamily K member 4; plus strand), KCNK4-CATSPERZ (KCNK4-CATSPERZ readthrough (NMD candidate); plus strand). Cytogenetic location: 11q13.1.
Variant type: Duplication.
Coding change: c.935_940dup on transcript NM_033310.3 (MANE Select); coding-DNA positions 935 to 940, 6 bases duplicated (AGCCGC; older notation c.935_940dupAGCCGC).
Protein change: p.Pro313_Leu314insGlnPro.
Molecular consequence: inframe insertion. On other transcripts: non-coding transcript variant (3), inframe indel (1).
Genome position (GRCh38, 1-based): chr11:64,299,479-64,299,484, AGCCGC duplicated; duplicating any 6 consecutive bases within chr11:64,299,476-64,299,484 gives the same sequence; the c. name uses the placement nearest the transcript's 3' end. VCF-style (leftmost placement, unchanged base first): chr11-64299475-G-GCGCAGC. GRCh37 (hg19) VCF-style: chr11-64066947-G-GCGCAGC.
Other names: c.935_940dup, p.Pro313_Leu314insGlnPro (NM_001317090.2, NM_033311.1).
Identifiers: ClinVar variation 2128149 (VCV002128149.4), dbSNP rs2495702099, ClinGen allele CA2580084405.